The following is an entry in ClinVar:

NM_001567.4(INPPL1):c.3095del (p.Pro1032fs)

Gene: INPPL1 (inositol polyphosphate phosphatase like 1; plus strand). Cytogenetic location: 11q13.4.
Variant type: Deletion.
Coding change: c.3095del on transcript NM_001567.4 (MANE Select); coding-DNA position 3095, one base deleted (C; older notation c.3095delC).
Protein change: p.Pro1032fs; shifts the reading frame from proline 1032.
Molecular consequence: frameshift variant.
Genome position (GRCh38, 1-based): chr11:72,237,339, C deleted; the last of 3 consecutive C bases (chr11:72,237,337-72,237,339); deleting any one gives the same sequence. VCF-style (leftmost placement, unchanged base first): chr11-72237336-AC-A. GRCh37 (hg19) VCF-style: chr11-71948380-AC-A.
Other names: c.3161del, p.Pro1054fs (NM_001440434.1); c.3095del, p.Pro1032fs (NM_001440435.1, NM_001440436.1, NM_001440438.1); c.2954del, p.Pro985fs (NM_001440437.1); short protein forms P1032fs, P1054fs, P985fs.
Identifiers: ClinVar variation 4082450 (VCV004082450.2).

ClinVar aggregate classification (germline): Likely pathogenic (1 of 4 stars; one submission).

Submission:

Genetic Services Laboratory, University of Chicago
Classification: Likely pathogenic. Last evaluated: 2024-09-16. Review status: criteria provided, single submitter. Criteria: ACMG Guidelines, 2015. Collection method: clinical testing. Allele origin: germline. Affected: yes.
Comment: DNA sequence analysis of the INPPL1 gene demonstrated a single base pair deletion in exon 26, c.3095del. This sequence change results in an amino acid frameshift and creates a premature stop codon 98 amino acids downstream of the change, p.Pro1032Leufs*99. This sequence change is predicted to result in an abnormal transcript, which may be degraded, or may lead to the production of a truncated INPPL1 protein with potentially abnormal function. This sequence change has been described in the gnomAD database with a frequency of 0.00043%. This sequence change has previously not been described in individual with INPPL1-related disorders (ref). While this sequence change has not previously been described in the literature, other loss-of-function variants in INPPL1 have been reported to be pathogenic (PMID: 23273567, 23273569). Collectively, this evidence indicates that this sequence change is likely pathogenic, however functional studies have not been performed to prove this conclusively.